The following is an entry in ClinVar:

ClinVar aggregate classification (germline): Conflicting classifications of pathogenicity. Review status: criteria provided, conflicting classifications (1 of 4 stars). 7 submissions from 7 submitters: Uncertain significance (3); Benign (1); Likely benign (3). Last evaluated 2026-01-14.

Conditions:
Aortic valve disease 1 (AOVD1). Identifiers: MedGen C3887892, MONDO:0024523, OMIM 109730.
Adams-Oliver syndrome 5 (AOS5). Identifiers: Orphanet 974, MedGen C4014970, MONDO:0014459, OMIM 616028.
Familial thoracic aortic aneurysm and aortic dissection (TAAD). Also called: Thoracic aortic aneurysms and dissections. Identifiers: Orphanet 91387, MedGen C4707243, MONDO:0019625.

Allele frequency attached by ClinVar (database versions not stated): ExAC 0.00002; gnomAD exomes 0.00002 and 0.00005; TOPMed 0.00002; gnomAD 0.00003.
gnomAD v4.1: 84 of 1,609,990 alleles (0.0052%); highest among the groups gnomAD compares: Middle Eastern, 0.016%; no homozygotes.

Submissions (7):

Labcorp Genetics (formerly Invitae), Labcorp
Classification: Benign for Adams-Oliver syndrome 5. Last evaluated: 2026-01-14. Review status: criteria provided, single submitter. Criteria: Invitae Variant Classification Sherloc (09022015). Collection method: clinical testing. Allele origin: germline.

Ambry Genetics
Classification: Likely benign for Familial thoracic aortic aneurysm and aortic dissection. Last evaluated: 2025-06-10. Review status: criteria provided, single submitter. Criteria: Ambry Variant Classification Scheme 2023. Collection method: clinical testing. Allele origin: germline.

Women's Health and Genetics/Laboratory Corporation of America, LabCorp
Classification: Likely benign. Last evaluated: 2025-05-02. Review status: criteria provided, single submitter. Criteria: LabCorp Variant Classification Summary - May 2015. Collection method: clinical testing. Allele origin: germline.
Comment: Variant summary: NOTCH1 c.4315G>A (p.Asp1439Asn) results in a conservative amino acid change in the encoded protein sequence. Algorithms developed to predict the effect of missense changes on protein structure and function are either unavailable or do not agree on the potential impact of this missense change. The variant allele was found at a frequency of 5.2e-05 in 1609990 control chromosomes. The observed variant frequency is approximately 83.48 fold of the estimated maximal expected allele frequency for a pathogenic variant in NOTCH1 causing Adams-Oliver Syndrome 5 phenotype (6.3e-07). To our knowledge, no occurrence of c.4315G>A in individuals affected with Adams-Oliver Syndrome 5 and no experimental evidence demonstrating its impact on protein function have been reported. ClinVar contains an entry for this variant (Variation ID: 849334). Based on the evidence outlined above, the variant was classified as likely benign.

CeGaT Center for Human Genetics Tuebingen
Classification: Uncertain significance. Last evaluated: 2024-08-01. Review status: criteria provided, single submitter. Criteria: CeGaT Center For Human Genetics Tuebingen Variant Classification Criteria Version 2. Collection method: clinical testing. Allele origin: germline. Affected: yes. Observed: 1 variant allele.
Comment: NOTCH1: PM2, BP4

Blueprint Genetics
Classification: Likely benign. Last evaluated: 2024-06-24. Review status: criteria provided, single submitter. Criteria: ACMG Guidelines, 2015. Collection method: clinical testing. Allele origin: germline.

New York Genome Center
Classification: Uncertain significance for Aortic valve disease 1. Last evaluated: 2023-07-25. Review status: criteria provided, single submitter. Criteria: NYGC Assertion Criteria 2020. Collection method: clinical testing. Allele origin: germline. Observed: 1 heterozygote.

Revvity Omics, Revvity
Classification: Uncertain significance. Last evaluated: 2019-05-13. Review status: criteria provided, single submitter. Criteria: ACMG Guidelines, 2015. Collection method: clinical testing. Allele origin: germline.

Literature cited by the submitters: PubMed 32748548 (cited by Ambry Genetics).

NM_017617.5(NOTCH1):c.4315G>A (p.Asp1439Asn)

Gene: NOTCH1 (notch receptor 1; minus strand). Cytogenetic location: 9q34.3.
Variant type: single nucleotide variant.
Coding change: c.4315G>A on transcript NM_017617.5 (MANE Select); coding-DNA position 4315, G replaced by A.
Protein change: p.Asp1439Asn; replaces aspartic acid 1439 with asparagine.
Molecular consequence: missense variant.
Genome position (GRCh38, 1-based): chr9:136,505,581, C>T on the plus strand (G>A on the coding strand, the complement: NOTCH1 is on the minus strand). VCF-style: chr9-136505581-C-T. GRCh37 (hg19) VCF-style: chr9-139400033-C-T.
Other names: short protein forms D1439N.
Identifiers: ClinVar variation 849334 (VCV000849334.28), dbSNP rs200232299, ClinGen allele CA5340645.